The following is an entry in ClinVar:

ClinVar aggregate classification (germline): Uncertain significance (1 of 4 stars; one submission).

Submission:

Ambry Genetics
Classification: Uncertain significance. Last evaluated: 2026-05-31. Review status: criteria provided, single submitter. Criteria: Ambry Variant Classification Scheme 2023. Collection method: clinical testing. Allele origin: germline.
Comment: The p.S1262G variant (also known as c.3784A>G), located in coding exon 16 of the WNK2 gene, results from an A to G substitution at nucleotide position 3784. The serine at codon 1262 is replaced by glycine, an amino acid with similar properties. This amino acid position is conserved. In addition, this alteration is predicted to be tolerated by in silico analysis. Based on the available evidence, the clinical significance of this variant remains unclear.

NM_006648.4(WNK2):c.3784A>G (p.Ser1262Gly)

Gene: WNK2 (WNK lysine deficient protein kinase 2; plus strand). Cytogenetic location: 9q22.31.
Variant type: single nucleotide variant.
Coding change: c.3784A>G on transcript NM_006648.4 (MANE Select); coding-DNA position 3784, A replaced by G.
Protein change: p.Ser1262Gly; replaces serine 1262 with glycine.
Molecular consequence: missense variant.
Genome position (GRCh38, 1-based): chr9:93,267,833, A>G. VCF-style: chr9-93267833-A-G. GRCh37 (hg19) VCF-style: chr9-96030115-A-G.
Other names: c.3784A>G, p.Ser1262Gly (NM_001282394.3); short protein forms S1262G.
Identifiers: ClinVar variation 4866719 (VCV004866719.1).